The following is an entry in ClinVar:

ClinVar aggregate classification (germline): Uncertain significance (1 of 4 stars; one submission).

gnomAD v4.1: 12 of 1,614,078 alleles (0.00074%); highest among the groups gnomAD compares: Admixed American, 0.0017%; no homozygotes.

Submission:

Labcorp Genetics (formerly Invitae), Labcorp
Classification: Uncertain significance. Last evaluated: 2024-05-20. Review status: criteria provided, single submitter. Criteria: Invitae Variant Classification Sherloc (09022015). Collection method: clinical testing. Allele origin: germline.
Comment: This sequence change replaces arginine, which is basic and polar, with histidine, which is basic and polar, at codon 288 of the KIF23 protein (p.Arg288His). This variant is present in population databases (rs756964640, gnomAD 0.0009%). This variant has not been reported in the literature in individuals affected with KIF23-related conditions. Advanced modeling of protein sequence and biophysical properties (such as structural, functional, and spatial information, amino acid conservation, physicochemical variation, residue mobility, and thermodynamic stability) performed at Invitae indicates that this missense variant is not expected to disrupt KIF23 protein function with a negative predictive value of 80%. In summary, the available evidence is currently insufficient to determine the role of this variant in disease. Therefore, it has been classified as a Variant of Uncertain Significance.

NM_001367805.3(KIF23):c.905G>A (p.Arg302His)

Gene: KIF23 (kinesin family member 23; plus strand). Cytogenetic location: 15q23.
Variant type: single nucleotide variant.
Coding change: c.905G>A on transcript NM_001367805.3 (MANE Select); coding-DNA position 905, G replaced by A.
Protein change: p.Arg302His; replaces arginine 302 with histidine.
Molecular consequence: missense variant. On other transcripts: non-coding transcript variant (2).
Genome position (GRCh38, 1-based): chr15:69,426,351, G>A. VCF-style: chr15-69426351-G-A. GRCh37 (hg19) VCF-style: chr15-69718690-G-A.
Other names: c.533G>A, p.Arg178His (NM_001281301.2); c.863G>A, p.Arg288His (NM_001367804.2, NM_004856.7, NM_138555.4); short protein forms R178H, R288H, R302H.
Identifiers: ClinVar variation 3611624 (VCV003611624.2).